The following is an entry in ClinVar:

NM_005488.3(TOM1):c.830A>G (p.Asn277Ser)

Gene: TOM1 (target of myb1 membrane trafficking protein; plus strand). Cytogenetic location: 22q12.3.
Variant type: single nucleotide variant.
Coding change: c.830A>G on transcript NM_005488.3 (MANE Select); coding-DNA position 830, A replaced by G.
Protein change: p.Asn277Ser; replaces asparagine 277 with serine.
Molecular consequence: missense variant. On other transcripts: non-coding transcript variant (3).
Genome position (GRCh38, 1-based): chr22:35,330,411, A>G. VCF-style: chr22-35330411-A-G. GRCh37 (hg19) VCF-style: chr22-35726404-A-G.
Other names: c.731A>G, p.Asn244Ser (NM_001135729.2); c.695A>G, p.Asn232Ser (NM_001135730.2); c.830A>G, p.Asn277Ser (NM_001135732.2); short protein forms N244S, N277S, N232S.
Identifiers: ClinVar variation 2517675 (VCV002517675.24), dbSNP rs369952232, ClinGen allele CA10204270.

ClinVar aggregate classification (germline): Conflicting classifications of pathogenicity. Review status: criteria provided, conflicting classifications (1 of 4 stars). 2 submissions from 2 submitters: Uncertain significance (1); Likely benign (1). Last evaluated 2024-01-01.

Allele frequency attached by ClinVar (database versions not stated): gnomAD 0.00007; gnomAD exomes 0.00009; TOPMed 0.00010; ESP Exome Variant Server 0.00015; ExAC 0.00019; 1000 Genomes Project 30x 0.00031; 1000 Genomes Project 0.00040.
gnomAD v4.1: 137 of 1,613,668 alleles (0.0085%); highest among the groups gnomAD compares: Middle Eastern, 0.099%; no homozygotes.

Submissions (2):

CeGaT Center for Human Genetics Tuebingen
Classification: Likely benign. Last evaluated: 2024-01-01. Review status: criteria provided, single submitter. Criteria: CeGaT Center For Human Genetics Tuebingen Variant Classification Criteria Version 2. Collection method: clinical testing. Allele origin: germline. Affected: yes. Observed: 1 variant allele.
Comment: TOM1: BP4, BS1:Supporting

Ambry Genetics
Classification: Uncertain significance. Last evaluated: 2023-05-16. Review status: criteria provided, single submitter. Criteria: Ambry Variant Classification Scheme 2023. Collection method: clinical testing. Allele origin: germline.